The following is an entry in ClinVar:

ClinVar aggregate classification (germline): Likely benign (1 of 4 stars; one submission).

Allele frequency attached by ClinVar (database versions not stated): 1000 Genomes Project 0.00100; 1000 Genomes Project 30x 0.00109; ESP Exome Variant Server 0.00125; gnomAD 0.00188; TOPMed 0.00189; ExAC 0.00469.

Submission:

CeGaT Center for Human Genetics Tuebingen
Classification: Likely benign. Last evaluated: 2023-05-01. Review status: criteria provided, single submitter. Criteria: CeGaT Center For Human Genetics Tuebingen Variant Classification Criteria Version 2. Collection method: clinical testing. Allele origin: germline. Affected: yes. Observed: 1 variant allele.
Comment: HOXB7: BS2

NM_004502.4(HOXB7):c.233A>G (p.Tyr78Cys)

Gene: HOXB7 (homeobox B7; minus strand). Cytogenetic location: 17q21.32.
Variant type: single nucleotide variant.
Coding change: c.233A>G on transcript NM_004502.4 (MANE Select); coding-DNA position 233, A replaced by G.
Protein change: p.Tyr78Cys; replaces tyrosine 78 with cysteine.
Molecular consequence: missense variant.
Genome position (GRCh38, 1-based): chr17:48,610,686, T>C on the plus strand (A>G on the coding strand, the complement: HOXB7 is on the minus strand). VCF-style: chr17-48610686-T-C. GRCh37 (hg19) VCF-style: chr17-46688048-T-C.
Other names: short protein forms Y78C.
Identifiers: ClinVar variation 2647882 (VCV002647882.24), dbSNP rs35657716, ClinGen allele CA8633353.